The following is an entry in ClinVar:

NM_000245.4(MET):c.1658G>A (p.Ser553Asn)

Gene: MET (MET proto-oncogene, receptor tyrosine kinase; plus strand). Cytogenetic location: 7q31.2.
Variant type: single nucleotide variant.
Coding change: c.1658G>A on transcript NM_000245.4 (MANE Select); coding-DNA position 1658, G replaced by A.
Protein change: p.Ser553Asn; replaces serine 553 with asparagine.
Molecular consequence: missense variant.
Genome position (GRCh38, 1-based): chr7:116,740,982, G>A. VCF-style: chr7-116740982-G-A. GRCh37 (hg19) VCF-style: chr7-116381036-G-A.
Other names: c.1658G>A, p.Ser553Asn (NM_001127500.3, NM_001324401.3); c.368G>A, p.Ser123Asn (NM_001324402.2); short protein forms S123N, S553N.
Identifiers: ClinVar variation 5024346 (VCV005024346.1).

ClinVar aggregate classification (germline): Uncertain significance (1 of 4 stars; one submission).

Conditions:
Hereditary cancer-predisposing syndrome. Also called: Neoplastic Syndromes, Hereditary; Tumor predisposition; Hereditary neoplastic syndrome; Hereditary Cancer Syndrome. Identifiers: Orphanet 140162, MedGen C0027672, MeSH D009386, MONDO:0015356.

Submission:

Ambry Genetics
Classification: Uncertain significance for Hereditary cancer-predisposing syndrome. Last evaluated: 2026-07-06. Review status: criteria provided, single submitter. Criteria: Ambry Variant Classification Scheme 2023. Collection method: clinical testing. Allele origin: germline.
Comment: The p.S553N variant (also known as c.1658G>A), located in coding exon 4 of the MET gene, results from a G to A substitution at nucleotide position 1658. The serine at codon 553 is replaced by asparagine, an amino acid with highly similar properties. This amino acid position is conserved. In addition, this alteration is predicted to be tolerated by in silico analysis. Based on the available evidence, the clinical significance of this variant remains unclear.